The following is an entry in ClinVar:

ClinVar aggregate classification (germline): Conflicting classifications of pathogenicity. Review status: criteria provided, conflicting classifications (1 of 4 stars). 7 submissions from 7 submitters: Uncertain significance (3); Benign (1); Likely benign (3). Last evaluated 2026-02-20.

Conditions:
RB1-related disorder. Also called: RB1-related condition.
Hereditary cancer-predisposing syndrome. Also called: Neoplastic Syndromes, Hereditary; Tumor predisposition; Hereditary Cancer Syndrome; Hereditary neoplastic syndrome. Identifiers: Orphanet 140162, MedGen C0027672, MeSH D009386, MONDO:0015356.
Retinoblastoma (RB1). Also called: RETINOBLASTOMA, SOMATIC. Identifiers: Orphanet 790, MedGen C0035335, MeSH D012175, MONDO:0008380, OMIM 180200, HP:0009919. Disease mechanism: loss of function. Inheritance: Both sporadic and heritable forms are tested..
Malignant tumor of urinary bladder. Also called: Bladder cancer; Urinary bladder cancer; Urinary Bladder Neoplasms. Identifiers: MedGen C0005684, MONDO:0001187, OMIM 109800.

Allele frequency attached by ClinVar (database versions not stated): gnomAD exomes below 0.00001 and 0.00002; gnomAD 0.00002; TOPMed 0.00003.
gnomAD v4.1: 31 of 1,613,546 alleles (0.0019%); highest among the groups gnomAD compares: Non-Finnish European, 0.0022%; no homozygotes.

Submissions (7):

St. Jude Molecular Pathology, St. Jude Children's Research Hospital
Classification: Uncertain significance for Retinoblastoma. Last evaluated: 2026-02-20. Review status: criteria provided, single submitter. Criteria: St. Jude Assertion Criteria 2020. Collection method: clinical testing. Allele origin: germline.
Comment: The RB1 c.1318G>A p.(Glu440Lys) missense change has a maximum subpopulation frequency of 0.003% in gnomAD v2.1.1. The in silico tool REVEL is inconclusive about a pathogenic or benign effect of this variant on protein function, and to our knowledge functional studies have not been performed. This variant has been observed in an individual with retinobl astoma whose unaffected mother also carried the variant (PMID: 32218800). In summary, the evidence currently available is insufficient to determine the clinical significance of this variant. It has therefore been classified as of uncertain significance.

Labcorp Genetics (formerly Invitae), Labcorp
Classification: Benign for Retinoblastoma. Last evaluated: 2026-02-01. Review status: criteria provided, single submitter. Criteria: Invitae Variant Classification Sherloc (09022015). Collection method: clinical testing. Allele origin: germline.

PreventionGenetics, part of Exact Sciences
Classification: Likely benign for RB1-related condition. Last evaluated: 2025-12-19. Review status: criteria provided, single submitter. Criteria: ACMG Guidelines, 2015. Collection method: clinical testing. Allele origin: germline.
Comment: This variant is classified as likely benign based on ACMG/AMP sequence variant interpretation guidelines (Richards et al. 2015 PMID: 25741868, with internal and published modifications).

Color Diagnostics, LLC DBA Color Health
Classification: Likely benign for Retinoblastoma. Last evaluated: 2025-07-03. Review status: criteria provided, single submitter. Criteria: ACMG Guidelines, 2015. Collection method: clinical testing. Allele origin: germline.

All of Us Research Program, National Institutes of Health
Classification: Uncertain significance for Retinoblastoma. Last evaluated: 2023-12-13. Review status: criteria provided, single submitter. Criteria: ACMG Guidelines, 2015. Collection method: clinical testing. Allele origin: germline. Inheritance: Autosomal dominant inheritance. Observed: 10 variant alleles, 10 heterozygotes.
Comment: This missense variant replaces glutamic acid with lysine at codon 440 of the RB1 protein. Computational prediction suggests that this variant may not impact protein structure and function (internally defined REVEL score threshold <= 0.5, PMID: 27666373). To our knowledge, functional studies have not been reported for this variant. This variant has been reported in an individual affected with bilateral retinoblastoma, but was also observed the the individual's unaffected mother (PMID: 32218800). This variant has been identified in 2/282426 chromosomes in the general population by the Genome Aggregation Database (gnomAD). The available evidence is insufficient to determine the role of this variant in disease conclusively. Therefore, this variant is classified as a Variant of Uncertain Significance.

This study involves interpretation of variants in research participants for the purpose of population health screening. Participant phenotype was not available at the time of variant classification. Additional details can be found in publication PMID: 35346344, PMCID: PMC8962531

Baylor Genetics
Classification: Uncertain significance for Malignant tumor of urinary bladder. Last evaluated: 2023-08-13. Review status: criteria provided, single submitter. Criteria: ACMG Guidelines, 2015. Collection method: clinical testing. Allele origin: unknown.

Ambry Genetics
Classification: Likely benign for Hereditary cancer-predisposing syndrome. Last evaluated: 2018-11-02. Review status: criteria provided, single submitter. Criteria: Ambry Variant Classification Scheme 2023. Collection method: clinical testing. Allele origin: germline.

Literature cited by the submitters: PubMed 32218800 (cited by All of Us Research Program, National Institutes of Health).

NM_000321.3(RB1):c.1318G>A (p.Glu440Lys)

Gene: RB1 (RB transcriptional corepressor 1; plus strand). Cytogenetic location: 13q14.2.
Variant type: single nucleotide variant.
Coding change: c.1318G>A on transcript NM_000321.3 (MANE Select); coding-DNA position 1318, G replaced by A.
Protein change: p.Glu440Lys; replaces glutamic acid 440 with lysine.
Molecular consequence: missense variant.
Genome position (GRCh38, 1-based): chr13:48,377,020, G>A. VCF-style: chr13-48377020-G-A. GRCh37 (hg19) VCF-style: chr13-48951156-G-A.
Other names: short protein forms E440K.
Identifiers: ClinVar variation 410926 (VCV000410926.20), dbSNP rs1060503078, ClinGen allele CA16614305.